The following is an entry in ClinVar:

NM_002332.3(LRP1):c.7277C>T (p.Ala2426Val)

Gene: LRP1 (LDL receptor related protein 1; plus strand). Cytogenetic location: 12q13.3.
Variant type: single nucleotide variant.
Coding change: c.7277C>T on transcript NM_002332.3 (MANE Select); coding-DNA position 7277, C replaced by T.
Protein change: p.Ala2426Val; replaces alanine 2426 with valine.
Molecular consequence: missense variant.
Genome position (GRCh38, 1-based): chr12:57,191,360, C>T. VCF-style: chr12-57191360-C-T. GRCh37 (hg19) VCF-style: chr12-57585143-C-T.
Other names: short protein forms A2426V.
Identifiers: ClinVar variation 4976660 (VCV004976660.1).

ClinVar aggregate classification (germline): Uncertain significance (1 of 4 stars; one submission).

Submission:

GeneDx
Classification: Uncertain significance. Last evaluated: 2024-10-24. Review status: criteria provided, single submitter. Criteria: GeneDx Variant Classification Process June 2021. Collection method: clinical testing. Allele origin: germline.
Comment: Not observed at significant frequency in large population cohorts (gnomAD); In silico analysis supports that this missense variant has a deleterious effect on protein structure/function; Has not been previously published as pathogenic or benign to our knowledge; Variants in candidate genes are classified as variants of uncertain significance in accordance with ACMG guidelines (PMID: 25741868)